The following is an entry in ClinVar:

NM_001369.3(DNAH5):c.3258T>C (p.Leu1086=)

Genes: DNAH5 (dynein axonemal heavy chain 5; minus strand), DNAH5-AS1 (DNAH5 antisense RNA 1; plus strand). Cytogenetic location: 5p15.2.
Variant type: single nucleotide variant.
Coding change: c.3258T>C on transcript NM_001369.3 (MANE Select); coding-DNA position 3258, T replaced by C.
Protein change: p.Leu1086=; no amino-acid change (leucine 1086 retained).
Molecular consequence: synonymous variant.
Genome position (GRCh38, 1-based): chr5:13,882,732, A>G on the plus strand (T>C on the coding strand, the complement: DNAH5 is on the minus strand). VCF-style: chr5-13882732-A-G. GRCh37 (hg19) VCF-style: chr5-13882841-A-G.
Other names: p.Leu1086=.
Identifiers: ClinVar variation 163154 (VCV000163154.35), dbSNP rs10057007, ClinGen allele CA175801.

ClinVar aggregate classification (germline): Benign/Likely benign. Review status: criteria provided, multiple submitters, no conflicts (2 of 4 stars). 14 submissions from 14 submitters: Benign (10); Likely benign (1). 3 of the submissions do not count toward it. Last evaluated 2026-02-04.

Conditions:
Primary ciliary dyskinesia. Also called: Ciliary dyskinesia. Identifiers: Orphanet 244, MedGen C0008780, MONDO:0016575, HP:0012265.
Primary ciliary dyskinesia 3. Identifiers: Orphanet 244, MedGen C1837618, MONDO:0012085, OMIM 608644.

Allele frequency attached by ClinVar (database versions not stated): gnomAD exomes 0.24415 and 0.25350; 1000 Genomes Project 0.25060; ExAC 0.25347; 1000 Genomes Project 30x 0.25468; TOPMed 0.26599; ESP Exome Variant Server 0.26988.
gnomAD v4.1: 395,075 of 1,608,472 alleles (25%); highest among the groups gnomAD compares: Admixed American, 32%; 50,011 homozygotes.

Submissions (14):

Labcorp Genetics (formerly Invitae), Labcorp
Classification: Benign for Primary ciliary dyskinesia. Last evaluated: 2026-02-04. Review status: criteria provided, single submitter. Criteria: Invitae Variant Classification Sherloc (09022015). Collection method: clinical testing. Allele origin: germline.

Blueprint Genetics
Classification: Likely benign. Last evaluated: 2024-11-26. Review status: criteria provided, single submitter. Criteria: ACMG Guidelines, 2015. Collection method: clinical testing. Allele origin: germline.

Mayo Clinic Laboratories, Mayo Clinic
Classification: Benign. Last evaluated: 2022-04-26. Review status: criteria provided, single submitter. Criteria: ACMG Guidelines, 2015. Collection method: clinical testing. Allele origin: germline. Observed: 92 variant alleles.

Genome-Nilou Lab
Classification: Benign for Primary ciliary dyskinesia 3. Last evaluated: 2021-07-30. Review status: criteria provided, single submitter. Criteria: ACMG Guidelines, 2015. Collection method: clinical testing. Allele origin: germline. Affected: no.

Pars Genome Lab
Classification: Benign for Primary ciliary dyskinesia 3. Last evaluated: 2021-06-15. Review status: criteria provided, single submitter. Criteria: ACMG Guidelines, 2015. Collection method: clinical testing. Allele origin: germline. Affected: no.

GeneDx
Classification: Benign. Last evaluated: 2018-12-19. Review status: criteria provided, single submitter. Criteria: GeneDx Variant Classification Process June 2021. Collection method: clinical testing. Allele origin: germline. Affected: yes.

Illumina Laboratory Services, Illumina
Classification: Benign for Primary ciliary dyskinesia 3. Last evaluated: 2018-01-13. Review status: criteria provided, single submitter. Criteria: ICSL Variant Classification Criteria 13 December 2019. Collection method: clinical testing. Allele origin: germline.
Comment: This variant was observed in the ICSL laboratory as part of a predisposition screen in an ostensibly healthy population. It had not been previously curated by ICSL or reported in the Human Gene Mutation Database (HGMD: prior to June 1st, 2018), and was therefore a candidate for classification through an automated scoring system. Utilizing variant allele frequency, disease prevalence and penetrance estimates, and inheritance mode, an automated score was calculated to assess if this variant is too frequent to cause the disease. Based on the score and internal cut-off values, a variant classified as benign is not then subjected to further curation. The score for this variant resulted in a classification of benign for this disease.

Ambry Genetics
Classification: Benign for Primary ciliary dyskinesia. Last evaluated: 2014-12-10. Review status: criteria provided, single submitter. Criteria: Ambry Variant Classification Scheme 2023. Collection method: clinical testing. Allele origin: germline.

Laboratory for Molecular Medicine, Mass General Brigham Personalized Medicine
Classification: Benign. Last evaluated: 2013-02-21. Review status: criteria provided, single submitter. Criteria: LMM Criteria. Collection method: clinical testing. Allele origin: germline. Observed: 54 variant alleles.
Comment: Leu1086Leu in exon 21 of DNAH5: This variant is not expected to have clinical si gnificance because it does not alter an amino acid residue and is not located wi thin the splice consensus sequence. It has been identified in 31.7% (1398/4406) of African American chromosomes from a broad population by the NHLBI Exome Seque ncing Project (dbSNP rs10057007).

Breakthrough Genomics
Classification: Benign. Review status: criteria provided, single submitter. Criteria: ACMG Guidelines, 2015. Collection method: not provided. Allele origin: germline. Inheritance: Autosomal recessive inheritance. Affected: yes.

PreventionGenetics, part of Exact Sciences
Classification: Benign. Review status: criteria provided, single submitter. Criteria: ACMG Guidelines, 2015. Collection method: clinical testing. Allele origin: germline.

Natera, Inc.
Classification: Benign for Primary ciliary dyskinesia. Last evaluated: 2020-09-16. Review status: no assertion criteria provided. Collection method: clinical testing. Allele origin: germline. Not counted in ClinVar's aggregate classification.

Clinical Genetics DNA and cytogenetics Diagnostics Lab, Erasmus MC, Erasmus Medical Center
Classification: Benign. Review status: no assertion criteria provided. Collection method: clinical testing. Allele origin: germline. Affected: yes. Study: VKGL Data-share Consensus. Not counted in ClinVar's aggregate classification.

Diagnostic Laboratory, Department of Genetics, University Medical Center Groningen
Classification: Benign. Review status: no assertion criteria provided. Collection method: clinical testing. Allele origin: germline. Affected: yes. Study: VKGL Data-share Consensus. Not counted in ClinVar's aggregate classification.